The following is an entry in ClinVar:

ClinVar aggregate classification (germline): Benign (1 of 4 stars; one submission).

Allele frequency attached by ClinVar (database versions not stated): gnomAD 0.30968; 1000 Genomes Project 0.78874; ESP Exome Variant Server 0.90743.

Submission:

Unidad de Genómica Garrahan, Hospital de Pediatría Garrahan
Classification: Benign. Last evaluated: 2023-11-12. Review status: criteria provided, single submitter. Criteria: ACMG Guidelines, 2015. Collection method: clinical testing. Allele origin: germline. Affected: no. Observed: 95 variant alleles.
Comment: This variant is classified as Benign based on local population frequency. This variant was detected in 99% of patients studied by a panel of primary immunodeficiencies. Number of patients: 95. Only high quality variants are reported.

NM_001243133.2(NLRP3):c.2322-40G>A

Gene: NLRP3 (NLR family pyrin domain containing 3; plus strand). Cytogenetic location: 1q44.
Variant type: single nucleotide variant.
Coding change: c.2322-40G>A on transcript NM_001243133.2 (MANE Select); 40 bases into the intron before coding-DNA position 2322, G replaced by A.
Molecular consequence: intron variant.
Genome position (GRCh38, 1-based): chr1:247,434,063, G>A. VCF-style: chr1-247434063-G-A. GRCh37 (hg19) VCF-style: chr1-247597365-G-A.
Other names: c.2328-40G>A (NM_004895.5); c.2322-40G>A (NM_001127461.3, NM_001079821.3); c.2151-40G>A (NM_001127462.3, NM_183395.3).
Identifiers: ClinVar variation 2628120 (VCV002628120.2), dbSNP rs10925022, ClinGen allele CA16086366.